The following is an entry in ClinVar:

NM_001146312.3(MYOCD):c.163T>G (p.Leu55Val)

Gene: MYOCD (myocardin; plus strand). Cytogenetic location: 17p12.
Variant type: single nucleotide variant.
Coding change: c.163T>G on transcript NM_001146312.3 (MANE Select); coding-DNA position 163, T replaced by G.
Protein change: p.Leu55Val; replaces leucine 55 with valine.
Molecular consequence: missense variant. On other transcripts: 5 prime UTR variant (1).
Genome position (GRCh38, 1-based): chr17:12,715,560, T>G. VCF-style: chr17-12715560-T-G. GRCh37 (hg19) VCF-style: chr17-12618877-T-G.
Other names: c.-75T>G (NM_001378306.1); c.163T>G, p.Leu55Val (NM_153604.4); short protein forms L55V.
Identifiers: ClinVar variation 4984063 (VCV004984063.1).

ClinVar aggregate classification (germline): Likely benign (1 of 4 stars; one submission).

Conditions:
MYOCD-related condition.

gnomAD v4.1: 182 of 1,613,644 alleles (0.011%); highest among the groups gnomAD compares: African/African-American, 0.21%; 1 homozygote.

Submission:

PreventionGenetics, part of Exact Sciences
Classification: Likely benign for MYOCD-related condition. Last evaluated: 2025-12-30. Review status: criteria provided, single submitter. Criteria: ACMG Guidelines, 2015. Collection method: clinical testing. Allele origin: germline.
Comment: This variant is classified as likely benign based on ACMG/AMP sequence variant interpretation guidelines (Richards et al. 2015 PMID: 25741868, with internal and published modifications).